The following is an entry in ClinVar:

ClinVar aggregate classification (germline): Uncertain significance (1 of 4 stars; one submission).

Conditions:
Hereditary cancer-predisposing syndrome. Also called: Neoplastic Syndromes, Hereditary; Tumor predisposition; Hereditary Cancer Syndrome; Hereditary neoplastic syndrome. Identifiers: Orphanet 140162, MedGen C0027672, MeSH D009386, MONDO:0015356.

Submission:

Ambry Genetics
Classification: Uncertain significance for Hereditary cancer-predisposing syndrome. Last evaluated: 2025-10-17. Review status: criteria provided, single submitter. Criteria: Ambry Variant Classification Scheme 2023. Collection method: clinical testing. Allele origin: germline.
Comment: The p.M60L variant (also known as c.178A>C), located in coding exon 2 of the APC gene, results from an A to C substitution at nucleotide position 178. The methionine at codon 60 is replaced by leucine, an amino acid with highly similar properties. This amino acid position is well conserved in available vertebrate species. In addition, in silico predictors for this gene do not accurately predict pathogenicity. Missense variants in APC are not a common cause of disease (Spier I et al. Genet Med. 2024 Feb;26(2):100992). Based on the available evidence, the clinical significance of this variant remains unclear.

NM_000038.6(APC):c.178A>C (p.Met60Leu)

Gene: APC (APC regulator of Wnt signaling pathway; plus strand). Cytogenetic location: 5q22.2.
Variant type: single nucleotide variant.
Coding change: c.178A>C on transcript NM_000038.6 (MANE Select); coding-DNA position 178, A replaced by C.
Protein change: p.Met60Leu; replaces methionine 60 with leucine.
Molecular consequence: missense variant. On other transcripts: initiator codon variant (3), 5 prime UTR variant (1).
Genome position (GRCh38, 1-based): chr5:112,766,368, A>C. VCF-style: chr5-112766368-A-C. GRCh37 (hg19) VCF-style: chr5-112102065-A-C.
Other names: c.178A>C, p.Met60Leu (NM_001127510.3, NM_001354895.2, NM_001354896.2 and 2 more transcripts); c.208A>C, p.Met70Leu (NM_001127511.3, NM_001354897.2, NM_001354902.2); c.103A>C, p.Met35Leu (NM_001354898.2, NM_001354904.2); c.1A>C, p.Met1Leu (NM_001354900.2, NM_001354901.2, NM_001354905.2); c.-858A>C (NM_001354906.2); short protein forms M60L, M35L, M1L, M70L.
Identifiers: ClinVar variation 820074 (VCV000820074.6), dbSNP rs1421856417, ClinGen allele CA16021735.